The following is an entry in ClinVar:

ClinVar aggregate classification (germline): Uncertain significance (1 of 4 stars; one submission).

Allele frequency attached by ClinVar (database versions not stated): gnomAD exomes below 0.00001; ExAC 0.00001.
gnomAD v4.1: 2 of 1,609,884 alleles (0.00012%); highest among the groups gnomAD compares: Middle Eastern, 0.017%; no homozygotes.

Submission:

Labcorp Genetics (formerly Invitae), Labcorp
Classification: Uncertain significance. Last evaluated: 2020-11-11. Review status: criteria provided, single submitter. Criteria: Invitae Variant Classification Sherloc (09022015). Collection method: clinical testing. Allele origin: germline.
Comment: This sequence change replaces proline with serine at codon 365 of the POLE2 protein (p.Pro365Ser). The proline residue is highly conserved and there is a moderate physicochemical difference between proline and serine. This variant is present in population databases (rs750849311, ExAC 0.002%). This variant has not been reported in the literature in individuals with POLE2-related conditions. Algorithms developed to predict the effect of missense changes on protein structure and function (SIFT, PolyPhen-2, Align-GVGD) all suggest that this variant is likely to be disruptive, but these predictions have not been confirmed by published functional studies and their clinical significance is uncertain. In summary, the available evidence is currently insufficient to determine the role of this variant in disease. Therefore, it has been classified as a Variant of Uncertain Significance.

NM_002692.4(POLE2):c.1093C>T (p.Pro365Ser)

Gene: POLE2 (DNA polymerase epsilon 2, accessory subunit; minus strand). Cytogenetic location: 14q21.3.
Variant type: single nucleotide variant.
Coding change: c.1093C>T on transcript NM_002692.4 (MANE Select); coding-DNA position 1093, C replaced by T.
Protein change: p.Pro365Ser; replaces proline 365 with serine.
Molecular consequence: missense variant.
Genome position (GRCh38, 1-based): chr14:49,654,195, G>A on the plus strand (C>T on the coding strand, the complement: POLE2 is on the minus strand). VCF-style: chr14-49654195-G-A. GRCh37 (hg19) VCF-style: chr14-50120913-G-A.
Other names: c.1015C>T, p.Pro339Ser (NM_001197330.2); c.1093C>T, p.Pro365Ser (NM_001197331.3); c.1090C>T, p.Pro364Ser (NM_001348384.2); c.862C>T, p.Pro288Ser (NM_001348385.2); short protein forms P365S, P288S, P364S, P339S.
Identifiers: ClinVar variation 1498677 (VCV001498677.8), dbSNP rs750849311, ClinGen allele CA7173379.